The following is an entry in ClinVar:

ClinVar aggregate classification (germline): Likely benign. Review status: criteria provided, multiple submitters, no conflicts (2 of 4 stars). 2 submissions from 2 submitters: Likely benign (2). Last evaluated 2026-07-24.

Conditions:
ANLN-related disorder. Also called: ANLN-related condition.

Allele frequency attached by ClinVar (database versions not stated): gnomAD 0.00003.
gnomAD v4.1: 22 of 1,601,712 alleles (0.0014%); highest among the groups gnomAD compares: East Asian, 0.0067%; no homozygotes.

Submissions (2):

PreventionGenetics, part of Exact Sciences
Classification: Likely benign for ANLN-related condition. Last evaluated: 2026-07-24. Review status: criteria provided, single submitter. Criteria: ACMG Guidelines, 2015. Collection method: clinical testing. Allele origin: germline.
Comment: This variant is classified as likely benign based on ACMG/AMP sequence variant interpretation guidelines (Richards et al. 2015 PMID: 25741868, with internal and published modifications).

Labcorp Genetics (formerly Invitae), Labcorp
Classification: Likely benign. Last evaluated: 2024-10-08. Review status: criteria provided, single submitter. Criteria: Invitae Variant Classification Sherloc (09022015). Collection method: clinical testing. Allele origin: germline.

NM_018685.5(ANLN):c.2463G>A (p.Thr821=)

Gene: ANLN (anillin, actin binding protein; plus strand). Cytogenetic location: 7p14.2.
Variant type: single nucleotide variant.
Coding change: c.2463G>A on transcript NM_018685.5 (MANE Select); coding-DNA position 2463, G replaced by A.
Protein change: p.Thr821=; no amino-acid change (threonine 821 retained).
Molecular consequence: synonymous variant.
Genome position (GRCh38, 1-based): chr7:36,422,796, G>A. VCF-style: chr7-36422796-G-A. GRCh37 (hg19) VCF-style: chr7-36462405-G-A.
Other names: c.2463G>A (NM_018685.4); c.2352G>A, p.Thr784= (NM_001284301.3); c.2349G>A, p.Thr783= (NM_001284302.3).
Identifiers: ClinVar variation 1899726 (VCV001899726.6), dbSNP rs1337148427, ClinGen allele CA454686925.